The following is an entry in ClinVar:

NM_000204.5(CFI):c.883+1G>C

Gene: CFI (complement factor I; minus strand). Cytogenetic location: 4q25.
Variant type: single nucleotide variant.
Coding change: c.883+1G>C on transcript NM_000204.5 (MANE Select); the canonical splice donor site of the intron after coding-DNA position 883, G replaced by C.
Molecular consequence: splice donor variant.
Genome position (GRCh38, 1-based): chr4:109,760,269, C>G on the plus strand (G>C on the coding strand, the complement: CFI is on the minus strand). VCF-style: chr4-109760269-C-G. GRCh37 (hg19) VCF-style: chr4-110681425-C-G.
Other names: c.883+1G>C (NM_001375282.1, NM_001375280.1, NM_001375281.1 and 10 more transcripts); c.274+1G>C (NM_001375284.1).
Identifiers: ClinVar variation 4727175 (VCV004727175.1).

ClinVar aggregate classification (germline): Likely pathogenic (1 of 4 stars; one submission).

gnomAD v4.1: 1 of 1,609,148 alleles (0.000062%); highest among the groups gnomAD compares: South Asian, 0.0011%; no homozygotes.

Submission:

Labcorp Genetics (formerly Invitae), Labcorp
Classification: Likely pathogenic. Last evaluated: 2025-09-14. Review status: criteria provided, single submitter. Criteria: Invitae Variant Classification Sherloc (09022015). Collection method: clinical testing. Allele origin: germline.
Comment: This sequence change affects a donor splice site in intron 6 of the CFI gene. It is expected to disrupt RNA splicing. Variants that disrupt the donor or acceptor splice site typically lead to a loss of protein function (PMID: 16199547), and loss-of-function variants in CFI are known to be pathogenic (PMID: 15917334, 16621965, 19065647, 20016463, 22710145). This variant is not present in population databases (gnomAD no frequency). This variant has not been reported in the literature in individuals affected with CFI-related conditions. Algorithms developed to predict the effect of sequence changes on RNA splicing suggest that this variant may disrupt the consensus splice site. In summary, the currently available evidence indicates that the variant is pathogenic, but additional data are needed to prove that conclusively. Therefore, this variant has been classified as Likely Pathogenic.

Literature cited by the submitters: PubMed 16199547; PubMed 15917334; PubMed 16621965; PubMed 19065647; PubMed 20016463; PubMed 22710145.